The following is an entry in ClinVar:

NM_000275.3(OCA2):c.2414C>G (p.Ser805Cys)

Gene: OCA2 (OCA2 melanosomal transmembrane protein; minus strand). Cytogenetic location: 15q13.1.
Variant type: single nucleotide variant.
Coding change: c.2414C>G on transcript NM_000275.3 (MANE Select); coding-DNA position 2414, C replaced by G.
Protein change: p.Ser805Cys; replaces serine 805 with cysteine.
Molecular consequence: missense variant.
Genome position (GRCh38, 1-based): chr15:27,844,977, G>C on the plus strand (C>G on the coding strand, the complement: OCA2 is on the minus strand). VCF-style: chr15-27844977-G-C. GRCh37 (hg19) VCF-style: chr15-28090123-G-C.
Other names: c.2342C>G, p.Ser781Cys (NM_001300984.2); short protein forms S805C, S781C.
Identifiers: ClinVar variation 1924616 (VCV001924616.5), dbSNP rs758859062, ClinGen allele CA391358294.

ClinVar aggregate classification (germline): Uncertain significance (1 of 4 stars; one submission).

Submission:

Labcorp Genetics (formerly Invitae), Labcorp
Classification: Uncertain significance. Last evaluated: 2023-08-17. Review status: criteria provided, single submitter. Criteria: Invitae Variant Classification Sherloc (09022015). Collection method: clinical testing. Allele origin: germline.
Comment: ClinVar contains an entry for this variant (Variation ID: 1924616). Advanced modeling of protein sequence and biophysical properties (such as structural, functional, and spatial information, amino acid conservation, physicochemical variation, residue mobility, and thermodynamic stability) performed at Invitae indicates that this missense variant is expected to disrupt OCA2 protein function. In summary, the available evidence is currently insufficient to determine the role of this variant in disease. Therefore, it has been classified as a Variant of Uncertain Significance. This variant has not been reported in the literature in individuals affected with OCA2-related conditions. This sequence change replaces serine, which is neutral and polar, with cysteine, which is neutral and slightly polar, at codon 805 of the OCA2 protein (p.Ser805Cys). This variant is not present in population databases (gnomAD no frequency).